The following is an entry in ClinVar:

NM_003334.4(UBA1):c.1089G>T (p.Gln363His)

Gene: UBA1 (ubiquitin like modifier activating enzyme 1; plus strand). Cytogenetic location: Xp11.3.
Variant type: single nucleotide variant.
Coding change: c.1089G>T on transcript NM_003334.4 (MANE Select); coding-DNA position 1089, G replaced by T.
Protein change: p.Gln363His; replaces glutamine 363 with histidine.
Molecular consequence: missense variant.
Genome position (GRCh38, 1-based): chrX:47,202,670, G>T. VCF-style: chrX-47202670-G-T. GRCh37 (hg19) VCF-style: chrX-47062069-G-T.
Other names: c.1089G>T, p.Gln363His (NM_153280.3); short protein forms Q363H.
Identifiers: ClinVar variation 2737547 (VCV002737547.3), dbSNP rs782243033, ClinGen allele CA10395845.
Genomic context (GRCh38, chrX:47,202,670, plus strand): 5'-CCTCTCTTGGTTCTTTCTGGCCCACCAGGAGGATGCAGCAGAACTGGTAGCCTTAGCACA[G>T]GCTGTGAATGCTCGAGCCCTGCCAGCAGTGCAGCAAAATAACCTGGACGAGGACCTCATC-3'
Protein context (NP_003325.2, residues 353-373): EDAAELVALA[Gln363His]AVNARALPAV

ClinVar aggregate classification (germline): Uncertain significance (1 of 4 stars; one submission).

Conditions:
Infantile-onset X-linked spinal muscular atrophy. Also called: AMC, DISTAL, X-LINKED; ARTHROGRYPOSIS, X-LINKED, TYPE I; Spinal Muscular Atrophy, X-Linked Infantile; SPINAL MUSCULAR ATROPHY, X-LINKED LETHAL INFANTILE; Spinal muscular atrophy, X-linked 2. Identifiers: Orphanet 1145, MedGen C1844934, MONDO:0010532, OMIM 301830.

Allele frequency attached by ClinVar (database versions not stated): ExAC 0.00001; gnomAD 0.00001; TOPMed 0.00001; gnomAD exomes 0.00002.
gnomAD v4.1: 22 of 1,211,195 alleles (0.0018%); highest among the groups gnomAD compares: Non-Finnish European, 0.0025%; no homozygotes.

Submission:

Labcorp Genetics (formerly Invitae), Labcorp
Classification: Uncertain significance for Infantile-onset X-linked spinal muscular atrophy. Last evaluated: 2025-05-04. Review status: criteria provided, single submitter. Criteria: Invitae Variant Classification Sherloc (09022015). Collection method: clinical testing. Allele origin: germline.
Comment: This sequence change replaces glutamine, which is neutral and polar, with histidine, which is basic and polar, at codon 363 of the UBA1 protein (p.Gln363His). This variant is present in population databases (rs782243033, gnomAD 0.003%), including at least one homozygous and/or hemizygous individual. This variant has not been reported in the literature in individuals affected with UBA1-related conditions. ClinVar contains an entry for this variant (Variation ID: 2737547). An algorithm developed to predict the effect of missense changes on protein structure and function (PolyPhen-2) suggests that this variant is likely to be tolerated. In summary, the available evidence is currently insufficient to determine the role of this variant in disease. Therefore, it has been classified as a Variant of Uncertain Significance.